The following is an entry in ClinVar:

ClinVar aggregate classification (germline): Pathogenic/Likely pathogenic. Review status: criteria provided, multiple submitters, no conflicts (2 of 4 stars). 2 submissions from 2 submitters: Pathogenic (1); Likely pathogenic (1). Last evaluated 2024-09-05.

Conditions:
Epidermolysis bullosa, junctional 6, with pyloric atresia. Also called: ITGA6-Related Epidermolysis Bullosa with Pyloric Atresia. Identifiers: MedGen C5676957, MONDO:0859233, OMIM 619817.

Allele frequency attached by ClinVar (database versions not stated): TOPMed 0.00002.
gnomAD v4.1: 12 of 1,613,672 alleles (0.00074%); highest among the groups gnomAD compares: Admixed American, 0.013%; no homozygotes.

Submissions (2):

Labcorp Genetics (formerly Invitae), Labcorp
Classification: Pathogenic. Last evaluated: 2024-09-05. Review status: criteria provided, single submitter. Criteria: Invitae Variant Classification Sherloc (09022015). Collection method: clinical testing. Allele origin: germline.
Comment: This sequence change creates a premature translational stop signal (p.Arg976*) in the ITGA6 gene. It is expected to result in an absent or disrupted protein product. Loss-of-function variants in ITGA6 are known to be pathogenic (PMID: 9158140, 9185503, 9804362, 27607025). This variant is present in population databases (rs769808745, gnomAD 0.02%). This variant has not been reported in the literature in individuals affected with ITGA6-related conditions. ClinVar contains an entry for this variant (Variation ID: 632334). For these reasons, this variant has been classified as Pathogenic.

Fulgent Genetics
Classification: Likely pathogenic for Epidermolysis bullosa, junctional 6, with pyloric atresia. Last evaluated: 2023-12-29. Review status: criteria provided, single submitter. Criteria: ACMG Guidelines, 2015. Collection method: clinical testing. Allele origin: germline.

Literature cited by the submitters: PubMed 9158140 (cited by Labcorp Genetics (formerly Invitae), Labcorp); PubMed 9185503 (cited by Labcorp Genetics (formerly Invitae), Labcorp); PubMed 9804362 (cited by Labcorp Genetics (formerly Invitae), Labcorp); PubMed 27607025 (cited by Labcorp Genetics (formerly Invitae), Labcorp).

NM_000210.4(ITGA6):c.2926C>T (p.Arg976Ter)

Genes: ITGA6 (integrin subunit alpha 6; plus strand), PDK1-AS1 (PDK1 and ITGA6 antisense RNA 1; minus strand). Cytogenetic location: 2q31.1.
Variant type: single nucleotide variant.
Coding change: c.2926C>T on transcript NM_000210.4 (MANE Select); coding-DNA position 2926, C replaced by T.
Protein change: p.Arg976Ter; replaces arginine 976 with a stop codon.
Molecular consequence: nonsense.
Genome position (GRCh38, 1-based): chr2:172,491,461, C>T. VCF-style: chr2-172491461-C-T. GRCh37 (hg19) VCF-style: chr2-173356189-C-T.
Other names: c.2926C>T, p.Arg976Ter (NM_001079818.3); c.2569C>T, p.Arg857Ter (NM_001316306.2); c.2881C>T, p.Arg961Ter (NM_001365529.2, NM_001365530.2); short protein forms R976*, R857*, R961*.
Identifiers: ClinVar variation 632334 (VCV000632334.10), dbSNP rs769808745, ClinGen allele CA1968542.